The following is an entry in ClinVar:

NM_001122752.2(SERPINI1):c.352T>C (p.Phe118Leu)

Gene: SERPINI1 (serpin family I member 1; plus strand). Cytogenetic location: 3q26.1.
Variant type: single nucleotide variant.
Coding change: c.352T>C on transcript NM_001122752.2 (MANE Select); coding-DNA position 352, T replaced by C.
Protein change: p.Phe118Leu; replaces phenylalanine 118 with leucine.
Molecular consequence: missense variant.
Genome position (GRCh38, 1-based): chr3:167,790,473, T>C. VCF-style: chr3-167790473-T-C. GRCh37 (hg19) VCF-style: chr3-167508261-T-C.
Other names: c.352T>C, p.Phe118Leu (NM_005025.5); short protein forms F118L.
Identifiers: ClinVar variation 1937254 (VCV001937254.5), dbSNP rs1019788948, ClinGen allele CA87835764.

ClinVar aggregate classification (germline): Uncertain significance (1 of 4 stars; one submission).

Conditions:
Familial encephalopathy with neuroserpin inclusion bodies. Also called: ENCEPHALOPATHY, FAMILIAL, WITH COLLINS BODIES. Identifiers: Orphanet 85110, MedGen C1858680, MONDO:0011412, OMIM 604218.

Allele frequency attached by ClinVar (database versions not stated): gnomAD exomes below 0.00001; gnomAD 0.00001; TOPMed 0.00001.
gnomAD v4.1: 2 of 1,613,926 alleles (0.00012%); highest among the groups gnomAD compares: African/African-American, 0.0027%; no homozygotes.

Submission:

Labcorp Genetics (formerly Invitae), Labcorp
Classification: Uncertain significance for Familial encephalopathy with neuroserpin inclusion bodies. Last evaluated: 2023-02-16. Review status: criteria provided, single submitter. Criteria: Invitae Variant Classification Sherloc (09022015). Collection method: clinical testing. Allele origin: germline.
Comment: This sequence change replaces phenylalanine, which is neutral and non-polar, with leucine, which is neutral and non-polar, at codon 118 of the SERPINI1 protein (p.Phe118Leu). This variant is not present in population databases (gnomAD no frequency). This variant has not been reported in the literature in individuals affected with SERPINI1-related conditions. Advanced modeling of protein sequence and biophysical properties (such as structural, functional, and spatial information, amino acid conservation, physicochemical variation, residue mobility, and thermodynamic stability) performed at Invitae indicates that this missense variant is not expected to disrupt SERPINI1 protein function. In summary, the available evidence is currently insufficient to determine the role of this variant in disease. Therefore, it has been classified as a Variant of Uncertain Significance.